The following is an entry in ClinVar:

ClinVar aggregate classification (germline): Uncertain significance (1 of 4 stars; one submission).

Allele frequency attached by ClinVar (database versions not stated): gnomAD 0.00001; gnomAD exomes 0.00001 and 0.00002; TOPMed 0.00001; ExAC 0.00002.
gnomAD v4.1: 19 of 1,610,464 alleles (0.0012%); highest among the groups gnomAD compares: Non-Finnish European, 0.00051%; no homozygotes.

Submission:

Labcorp Genetics (formerly Invitae), Labcorp
Classification: Uncertain significance. Last evaluated: 2021-11-26. Review status: criteria provided, single submitter. Criteria: Invitae Variant Classification Sherloc (09022015). Collection method: clinical testing. Allele origin: germline.
Comment: In summary, the available evidence is currently insufficient to determine the role of this variant in disease. Therefore, it has been classified as a Variant of Uncertain Significance. Algorithms developed to predict the effect of missense changes on protein structure and function are either unavailable or do not agree on the potential impact of this missense change (SIFT: "Tolerated"; PolyPhen-2: "Not Available"; Align-GVGD: "Class C0"). This variant has not been reported in the literature in individuals affected with CYP2R1-related conditions. This variant is present in population databases (rs781804845, gnomAD 0.03%). This sequence change replaces glutamic acid, which is acidic and polar, with lysine, which is basic and polar, at codon 8 of the CYP2R1 protein (p.Glu8Lys).

NM_024514.5(CYP2R1):c.22G>A (p.Glu8Lys)

Genes: CYP2R1 (cytochrome P450 family 2 subfamily R member 1; minus strand), PDE3B (phosphodiesterase 3B; plus strand). Cytogenetic location: 11p15.2.
Variant type: single nucleotide variant.
Coding change: c.22G>A on transcript NM_024514.5 (MANE Select); coding-DNA position 22, G replaced by A.
Protein change: p.Glu8Lys; replaces glutamic acid 8 with lysine.
Molecular consequence: missense variant.
Genome position (GRCh38, 1-based): chr11:14,892,184, C>T on the plus strand (G>A on the coding strand, the complement: CYP2R1 is on the minus strand). VCF-style: chr11-14892184-C-T. GRCh37 (hg19) VCF-style: chr11-14913730-C-T.
Other names: short protein forms E8K.
Identifiers: ClinVar variation 1399245 (VCV001399245.6), dbSNP rs781804845, ClinGen allele CA5896828.